The following is an entry in ClinVar:

NM_001379500.1(COL18A1):c.3216+5G>A

Genes: COL18A1 (collagen type XVIII alpha 1 chain; plus strand), SLC19A1 (solute carrier family 19 member 1; minus strand). Cytogenetic location: 21q22.3.
Variant type: single nucleotide variant.
Coding change: c.3216+5G>A on transcript NM_001379500.1 (MANE Select); 5 bases into the intron after coding-DNA position 3216, G replaced by A.
Molecular consequence: intron variant.
Genome position (GRCh38, 1-based): chr21:45,505,971, G>A. VCF-style: chr21-45505971-G-A. GRCh37 (hg19) VCF-style: chr21-46925885-G-A.
Other names: c.4461+5G>A (NM_130444.3); c.3756+5G>A (NM_030582.4).
Identifiers: ClinVar variation 2106179 (VCV002106179.3), dbSNP rs762799399, ClinGen allele CA10067754.

ClinVar aggregate classification (germline): Uncertain significance (1 of 4 stars; one submission).

Allele frequency attached by ClinVar (database versions not stated): gnomAD exomes below 0.00001; ExAC 0.00001.
gnomAD v4.1: 3 of 1,613,100 alleles (0.00019%); highest among the groups gnomAD compares: Middle Eastern, 0.017%; no homozygotes.

Submission:

Labcorp Genetics (formerly Invitae), Labcorp
Classification: Uncertain significance. Last evaluated: 2022-08-22. Review status: criteria provided, single submitter. Criteria: Invitae Variant Classification Sherloc (09022015). Collection method: clinical testing. Allele origin: germline.
Comment: Variants that disrupt the consensus splice site are a relatively common cause of aberrant splicing (PMID: 17576681, 9536098). Algorithms developed to predict the effect of sequence changes on RNA splicing suggest that this variant may create or strengthen a splice site. In summary, the available evidence is currently insufficient to determine the role of this variant in disease. Therefore, it has been classified as a Variant of Uncertain Significance. This variant has not been reported in the literature in individuals affected with COL18A1-related conditions. This variant is present in population databases (rs762799399, gnomAD 0.003%). This sequence change falls in intron 37 of the COL18A1 gene. It does not directly change the encoded amino acid sequence of the COL18A1 protein. It affects a nucleotide within the consensus splice site.

Literature cited by the submitters: PubMed 17576681; PubMed 9536098.